The following is an entry in ClinVar:

NM_000355.4(TCN2):c.718T>C (p.Phe240Leu)

Gene: TCN2 (transcobalamin 2; plus strand). Cytogenetic location: 22q12.2.
Variant type: single nucleotide variant.
Coding change: c.718T>C on transcript NM_000355.4 (MANE Select); coding-DNA position 718, T replaced by C.
Protein change: p.Phe240Leu; replaces phenylalanine 240 with leucine.
Molecular consequence: missense variant.
Genome position (GRCh38, 1-based): chr22:30,615,438, T>C. VCF-style: chr22-30615438-T-C. GRCh37 (hg19) VCF-style: chr22-31011425-T-C.
Other names: c.637T>C, p.Phe213Leu (NM_001184726.2); short protein forms F213L, F240L.
Identifiers: ClinVar variation 4743088 (VCV004743088.1).

ClinVar aggregate classification (germline): Uncertain significance (1 of 4 stars; one submission).

Conditions:
Transcobalamin II deficiency (TCN2D). Also called: Transcolabamin II deficiency; TC II DEFICIENCY; TCN2 DEFICIENCY. Identifiers: Orphanet 859, MedGen C0342701, MONDO:0010149, OMIM 275350.

Submission:

Labcorp Genetics (formerly Invitae), Labcorp
Classification: Uncertain significance for Transcobalamin II deficiency. Last evaluated: 2025-07-01. Review status: criteria provided, single submitter. Criteria: Invitae Variant Classification Sherloc (09022015). Collection method: clinical testing. Allele origin: germline.
Comment: This sequence change replaces phenylalanine, which is neutral and non-polar, with leucine, which is neutral and non-polar, at codon 240 of the TCN2 protein (p.Phe240Leu). This variant is not present in population databases (gnomAD no frequency). This variant has not been reported in the literature in individuals affected with TCN2-related conditions. Invitae Evidence Modeling of protein sequence and biophysical properties (such as structural, functional, and spatial information, amino acid conservation, physicochemical variation, residue mobility, and thermodynamic stability) indicates that this missense variant is not expected to disrupt TCN2 protein function with a negative predictive value of 80%. In summary, the available evidence is currently insufficient to determine the role of this variant in disease. Therefore, it has been classified as a Variant of Uncertain Significance.